The following is an entry in ClinVar:

NM_003002.4(SDHD):c.173G>A (p.Gly58Asp)

Gene: SDHD (succinate dehydrogenase complex subunit D; plus strand). Cytogenetic location: 11q23.1.
Variant type: single nucleotide variant.
Coding change: c.173G>A on transcript NM_003002.4 (MANE Select); coding-DNA position 173, G replaced by A.
Protein change: p.Gly58Asp; replaces glycine 58 with aspartic acid.
Molecular consequence: missense variant. On other transcripts: non-coding transcript variant (1), intron variant (1).
Genome position (GRCh38, 1-based): chr11:112,088,870, G>A. VCF-style: chr11-112088870-G-A. GRCh37 (hg19) VCF-style: chr11-111959594-G-A.
Other names: c.56G>A, p.Gly19Asp (NM_001276504.2); c.173G>A, p.Gly58Asp (NM_001276506.2); c.169+897G>A (NM_001276503.2); short protein forms G19D, G58D.
Identifiers: ClinVar variation 2935574 (VCV002935574.3), dbSNP rs2135269144, ClinGen allele CA382617156.

ClinVar aggregate classification (germline): Uncertain significance (1 of 4 stars; one submission).

Conditions:
Pheochromocytoma. Also called: MAX-Related Hereditary Paraganglioma-Pheochromocytoma Syndrome. Identifiers: Orphanet 29072, MedGen C0031511, MONDO:0008233, OMIM 171300, HP:0002666.
Paragangliomas with sensorineural hearing loss. Identifiers: MedGen C1868633.
Carney-Stratakis syndrome. Also called: PARAGANGLIOMA AND GASTROINTESTINAL STROMAL TUMOR. Identifiers: Orphanet 97286, MedGen C1847319, MONDO:0011740, OMIM 606864.
Cowden syndrome 3 (CWS3). Identifiers: Orphanet 201, MedGen CN166604, MONDO:0014045.

Submission:

Labcorp Genetics (formerly Invitae), Labcorp
Classification: Uncertain significance for Carney-Stratakis syndrome; Paragangliomas with sensorineural hearing loss; Pheochromocytoma; Cowden syndrome 3. Last evaluated: 2023-11-04. Review status: criteria provided, single submitter. Criteria: Invitae Variant Classification Sherloc (09022015). Collection method: clinical testing. Allele origin: germline.
Comment: This sequence change replaces glycine, which is neutral and non-polar, with aspartic acid, which is acidic and polar, at codon 58 of the SDHD protein (p.Gly58Asp). This variant is not present in population databases (gnomAD no frequency). This variant has not been reported in the literature in individuals affected with SDHD-related conditions. Algorithms developed to predict the effect of missense changes on protein structure and function output the following: SIFT: "Not Available"; PolyPhen-2: "Benign"; Align-GVGD: "Not Available". The aspartic acid amino acid residue is found in multiple mammalian species, which suggests that this missense change does not adversely affect protein function. In summary, the available evidence is currently insufficient to determine the role of this variant in disease. Therefore, it has been classified as a Variant of Uncertain Significance.